The following is an entry in ClinVar:

ClinVar aggregate classification (germline): Uncertain significance (1 of 4 stars; one submission).

Conditions:
Usher syndrome type 3B. Also called: USHER SYNDROME, TYPE IIIB. Identifiers: MedGen C3281066, MONDO:0013788, OMIM 614504.

Allele frequency attached by ClinVar (database versions not stated): gnomAD exomes below 0.00001; gnomAD 0.00001.
gnomAD v4.1: 2 of 1,614,052 alleles (0.00012%); highest among the groups gnomAD compares: African/African-American, 0.0027%; no homozygotes.

Submission:

Labcorp Genetics (formerly Invitae), Labcorp
Classification: Uncertain significance for Usher syndrome type 3B. Last evaluated: 2024-06-25. Review status: criteria provided, single submitter. Criteria: Invitae Variant Classification Sherloc (09022015). Collection method: clinical testing. Allele origin: germline.
Comment: This sequence change replaces glutamine, which is neutral and polar, with proline, which is neutral and non-polar, at codon 294 of the HARS protein (p.Gln294Pro). This variant is not present in population databases (gnomAD no frequency). This variant has not been reported in the literature in individuals affected with HARS-related conditions. ClinVar contains an entry for this variant (Variation ID: 1680317). Advanced modeling of protein sequence and biophysical properties (such as structural, functional, and spatial information, amino acid conservation, physicochemical variation, residue mobility, and thermodynamic stability) performed at Invitae indicates that this missense variant is not expected to disrupt HARS protein function with a negative predictive value of 80%. In summary, the available evidence is currently insufficient to determine the role of this variant in disease. Therefore, it has been classified as a Variant of Uncertain Significance.

NM_002109.6(HARS1):c.881A>C (p.Gln294Pro)

Gene: HARS1 (histidyl-tRNA synthetase 1; minus strand). Cytogenetic location: 5q31.3.
Variant type: single nucleotide variant.
Coding change: c.881A>C on transcript NM_002109.6 (MANE Select); coding-DNA position 881, A replaced by C.
Protein change: p.Gln294Pro; replaces glutamine 294 with proline.
Molecular consequence: missense variant.
Genome position (GRCh38, 1-based): chr5:140,677,059, T>G on the plus strand (A>C on the coding strand, the complement: HARS1 is on the minus strand). VCF-style: chr5-140677059-T-G. GRCh37 (hg19) VCF-style: chr5-140056644-T-G.
Other names: c.761A>C, p.Gln254Pro (NM_001258040.3); c.821A>C, p.Gln274Pro (NM_001258041.3); c.701A>C, p.Gln234Pro (NM_001258042.3); c.659A>C, p.Gln220Pro (NM_001289092.2); c.539A>C, p.Gln180Pro (NM_001289093.2); c.794A>C, p.Gln265Pro (NM_001289094.2); short protein forms Q180P, Q220P, Q234P, Q254P, Q265P, Q274P, Q294P.
Identifiers: ClinVar variation 1680317 (VCV001680317.8), dbSNP rs1758417980, ClinGen allele CA361252948.